The following is an entry in ClinVar:

ClinVar aggregate classification (germline): Likely benign. Review status: criteria provided, multiple submitters, no conflicts (2 of 4 stars). 3 submissions from 3 submitters: Likely benign (3). Last evaluated 2025-11-27.

Conditions:
Kufor-Rakeb syndrome (KRS). Also called: PARKINSON DISEASE 9, AUTOSOMAL RECESSIVE, JUVENILE-ONSET. Identifiers: Orphanet 306674, Orphanet 314632, MedGen C1847640, MONDO:0011706, OMIM 606693.
Autosomal recessive spastic paraplegia type 78. Identifiers: Orphanet 513436, MedGen C5567893, MONDO:0014975, OMIM 617225.

Allele frequency attached by ClinVar (database versions not stated): gnomAD exomes 0.00003 and 0.00006; TOPMed 0.00005; gnomAD 0.00007 and 0.00008; ESP Exome Variant Server 0.00008; ExAC 0.00011.
gnomAD v4.1: 91 of 1,590,766 alleles (0.0057%); highest among the groups gnomAD compares: Non-Finnish European, 0.0069%; no homozygotes.

Submissions (3):

Labcorp Genetics (formerly Invitae), Labcorp
Classification: Likely benign for Kufor-Rakeb syndrome; Autosomal recessive spastic paraplegia type 78. Last evaluated: 2025-11-27. Review status: criteria provided, single submitter. Criteria: Invitae Variant Classification Sherloc (09022015). Collection method: clinical testing. Allele origin: germline.

Blueprint Genetics
Classification: Likely benign. Last evaluated: 2023-12-05. Review status: criteria provided, single submitter. Criteria: ACMG Guidelines, 2015. Collection method: clinical testing. Allele origin: germline.

CeGaT Center for Human Genetics Tuebingen
Classification: Likely benign. Last evaluated: 2022-11-01. Review status: criteria provided, single submitter. Criteria: CeGaT Center For Human Genetics Tuebingen Variant Classification Criteria Version 2. Collection method: clinical testing. Allele origin: germline. Affected: yes. Observed: 1 variant allele.
Comment: ATP13A2: BP4, BP7

NM_022089.4(ATP13A2):c.1629T>A (p.Pro543=)

Gene: ATP13A2 (ATPase cation transporting 13A2; minus strand). Cytogenetic location: 1p36.13.
Variant type: single nucleotide variant.
Coding change: c.1629T>A on transcript NM_022089.4 (MANE Select); coding-DNA position 1629, T replaced by A.
Protein change: p.Pro543=; no amino-acid change (proline 543 retained).
Molecular consequence: synonymous variant.
Genome position (GRCh38, 1-based): chr1:16,993,749, A>T on the plus strand (T>A on the coding strand, the complement: ATP13A2 is on the minus strand). VCF-style: chr1-16993749-A-T. GRCh37 (hg19) VCF-style: chr1-17320244-A-T.
Other names: c.1614T>A, p.Pro538= (NM_001141973.3, NM_001141974.3).
Identifiers: ClinVar variation 706068 (VCV000706068.31), dbSNP rs369352100, ClinGen allele CA637134.